The following is an entry in ClinVar:

NM_006563.5(KLF1):c.948C>A (p.Cys316Ter)

Genes: KLF1 (KLF transcription factor 1; minus strand), LOC117125591 (CRISPRi-FlowFISH-validated PRDX2 and RAD23A regulatory element; plus strand). Cytogenetic location: 19p13.13.
Variant type: single nucleotide variant.
Coding change: c.948C>A on transcript NM_006563.5 (MANE Select); coding-DNA position 948, C replaced by A.
Protein change: p.Cys316Ter; replaces cysteine 316 with a stop codon.
Molecular consequence: nonsense.
Genome position (GRCh38, 1-based): chr19:12,885,026, G>T on the plus strand (C>A on the coding strand, the complement: KLF1 is on the minus strand). VCF-style: chr19-12885026-G-T. GRCh37 (hg19) VCF-style: chr19-12995840-G-T.
Other names: short protein forms C316*.
Identifiers: ClinVar variation 2841380 (VCV002841380.3), dbSNP rs572756401, ClinGen allele CA9233960.

ClinVar aggregate classification (germline): Uncertain significance (1 of 4 stars; one submission).

Allele frequency attached by ClinVar (database versions not stated): ExAC 0.00001; gnomAD 0.00001; gnomAD exomes 0.00002; 1000 Genomes Project 30x 0.00016; 1000 Genomes Project 0.00020.
gnomAD v4.1: 11 of 1,608,358 alleles (0.00068%); highest among the groups gnomAD compares: South Asian, 0.012%; no homozygotes.

Submission:

Labcorp Genetics (formerly Invitae), Labcorp
Classification: Uncertain significance. Last evaluated: 2023-02-27. Review status: criteria provided, single submitter. Criteria: Invitae Variant Classification Sherloc (09022015). Collection method: clinical testing. Allele origin: germline.
Comment: In summary, the available evidence is currently insufficient to determine the role of this variant in disease. Therefore, it has been classified as a Variant of Uncertain Significance. Experimental studies and prediction algorithms are not available or were not evaluated, and the functional significance of this variant is currently unknown. This variant has not been reported in the literature in individuals affected with KLF1-related conditions. This variant is present in population databases (rs572756401, gnomAD 0.006%). This sequence change creates a premature translational stop signal (p.Cys316*) in the KLF1 gene. While this is not anticipated to result in nonsense mediated decay, it is expected to disrupt the last 47 amino acid(s) of the KLF1 protein.